The following is an entry in ClinVar:

ClinVar aggregate classification (germline): Benign/Likely benign. Review status: criteria provided, multiple submitters, no conflicts (2 of 4 stars). 6 submissions from 6 submitters: Benign (2); Likely benign (3). 1 of the submissions does not count toward it. Last evaluated 2025-09-03.

Conditions:
Multiple congenital anomalies-hypotonia-seizures syndrome 2 (MCAHS2). Also called: EPILEPTIC ENCEPHALOPATHY, EARLY INFANTILE, 20; GLYCOSYLPHOSPHATIDYLINOSITOL BIOSYNTHESIS DEFECT 4. Identifiers: Orphanet 300496, MedGen C3275508, MONDO:0010466, OMIM 300868.
PIGA-related disorder. Also called: PIGA-related condition.
Inborn genetic diseases. Identifiers: MedGen C0950123, MeSH D030342.

Allele frequency attached by ClinVar (database versions not stated): ESP Exome Variant Server 0.00019; gnomAD 0.00020 and 0.00023; TOPMed 0.00029; gnomAD exomes 0.00031 and 0.00043; ExAC 0.00050.
gnomAD v4.1: 513 of 1,210,021 alleles (0.042%); highest among the groups gnomAD compares: Non-Finnish European, 0.052%; 1 homozygote.

Submissions (6):

Labcorp Genetics (formerly Invitae), Labcorp
Classification: Benign for Multiple congenital anomalies-hypotonia-seizures syndrome 2. Last evaluated: 2025-09-03. Review status: criteria provided, single submitter. Criteria: Invitae Variant Classification Sherloc (09022015). Collection method: clinical testing. Allele origin: germline.

Blueprint Genetics
Classification: Likely benign. Last evaluated: 2024-06-12. Review status: criteria provided, single submitter. Criteria: ACMG Guidelines, 2015. Collection method: clinical testing. Allele origin: germline.

CeGaT Center for Human Genetics Tuebingen
Classification: Likely benign. Last evaluated: 2023-07-01. Review status: criteria provided, single submitter. Criteria: CeGaT Center For Human Genetics Tuebingen Variant Classification Criteria Version 2. Collection method: clinical testing. Allele origin: germline. Affected: yes. Observed: 1 variant allele.
Comment: PIGA: BP4, BP7, BS2

GeneDx
Classification: Likely benign. Last evaluated: 2020-02-20. Review status: criteria provided, single submitter. Criteria: GeneDx Variant Classification Process June 2021. Collection method: clinical testing. Allele origin: germline. Affected: yes.

Ambry Genetics
Classification: Benign for Inborn genetic diseases. Last evaluated: 2018-06-23. Review status: criteria provided, single submitter. Criteria: Ambry Variant Classification Scheme 2023. Collection method: clinical testing. Allele origin: germline.

PreventionGenetics, part of Exact Sciences
Classification: Likely benign for PIGA-related condition. Last evaluated: 2020-09-22. Review status: no assertion criteria provided. Collection method: clinical testing. Allele origin: germline. Not counted in ClinVar's aggregate classification.
Comment: This variant is classified as likely benign based on ACMG/AMP sequence variant interpretation guidelines (Richards et al. 2015 PMID: 25741868, with internal and published modifications).

NM_002641.4(PIGA):c.273C>T (p.Tyr91=)

Gene: PIGA (phosphatidylinositol glycan anchor biosynthesis class A; minus strand). Cytogenetic location: Xp22.2.
Variant type: single nucleotide variant.
Coding change: c.273C>T on transcript NM_002641.4 (MANE Select); coding-DNA position 273, C replaced by T.
Protein change: p.Tyr91=; no amino-acid change (tyrosine 91 retained).
Molecular consequence: synonymous variant. On other transcripts: non-coding transcript variant (1), intron variant (1).
Genome position (GRCh38, 1-based): chrX:15,331,658, G>A on the plus strand (C>T on the coding strand, the complement: PIGA is on the minus strand). VCF-style: chrX-15331658-G-A. GRCh37 (hg19) VCF-style: chrX-15349780-G-A.
Other names: c.13+3843C>T (NM_020473.3).
Identifiers: ClinVar variation 386385 (VCV000386385.42), dbSNP rs61730284, ClinGen allele CA10354174.